The following is an entry in ClinVar:

ClinVar aggregate classification (germline): Uncertain significance. Review status: criteria provided, multiple submitters, no conflicts (2 of 4 stars). 2 submissions from 2 submitters: Uncertain significance (2). Last evaluated 2023-08-10.

Allele frequency attached by ClinVar (database versions not stated): gnomAD 0.00001; gnomAD exomes 0.00001; TOPMed 0.00002.

Submissions (2):

Ambry Genetics
Classification: Uncertain significance. Last evaluated: 2023-08-10. Review status: criteria provided, single submitter. Criteria: Ambry Variant Classification Scheme 2023. Collection method: clinical testing. Allele origin: germline.

Labcorp Genetics (formerly Invitae), Labcorp
Classification: Uncertain significance. Last evaluated: 2022-06-17. Review status: criteria provided, single submitter. Criteria: Invitae Variant Classification Sherloc (09022015). Collection method: clinical testing. Allele origin: germline.
Comment: In summary, the available evidence is currently insufficient to determine the role of this variant in disease. Therefore, it has been classified as a Variant of Uncertain Significance. Algorithms developed to predict the effect of missense changes on protein structure and function are either unavailable or do not agree on the potential impact of this missense change (SIFT: "Deleterious"; PolyPhen-2: "Probably Damaging"; Align-GVGD: "Class C15"). This variant has not been reported in the literature in individuals affected with NUP85-related conditions. This variant is present in population databases (no rsID available, gnomAD 0.0009%). This sequence change replaces glutamic acid, which is acidic and polar, with lysine, which is basic and polar, at codon 447 of the NUP85 protein (p.Glu447Lys).

NM_024844.5(NUP85):c.1339G>A (p.Glu447Lys)

Gene: NUP85 (nucleoporin 85; plus strand). Cytogenetic location: 17q25.1.
Variant type: single nucleotide variant.
Coding change: c.1339G>A on transcript NM_024844.5 (MANE Select); coding-DNA position 1339, G replaced by A.
Protein change: p.Glu447Lys; replaces glutamic acid 447 with lysine.
Molecular consequence: missense variant.
Genome position (GRCh38, 1-based): chr17:75,231,922, G>A. VCF-style: chr17-75231922-G-A. GRCh37 (hg19) VCF-style: chr17-73228017-G-A.
Other names: c.1339G>A (NM_024844.3); c.1201G>A, p.Glu401Lys (NM_001303276.2); c.1204G>A, p.Glu402Lys (NM_001330472.2); short protein forms E402K, E401K, E447K.
Identifiers: ClinVar variation 2176515 (VCV002176515.6), dbSNP rs867124423, ClinGen allele CA294013203.
Genomic context (GRCh38, chr17:75,231,922, plus strand): 5'-TGCCCCGAGCTGGGCCGAGTCTCCCTGGAGCTGCACATTGAGCGGATACCTCTGAACACC[G>A]AGCAGAAAGCCCTGAAGGTGCTGCGGATCTGTGAGCAGCGGCAGATGACTGAACAAGGTG-3'
Protein context (NP_079120.1, residues 437-457): LHIERIPLNT[Glu447Lys]QKALKVLRIC